The following is an entry in ClinVar:

NM_001242896.3(DEPDC5):c.198dup (p.Ile67fs)

Gene: DEPDC5 (DEP domain containing 5, GATOR1 subcomplex subunit; plus strand). Cytogenetic location: 22q12.2.
Variant type: Duplication.
Coding change: c.198dup on transcript NM_001242896.3 (MANE Select); coding-DNA position 198, one base duplicated (T; older notation c.198dupT).
Protein change: p.Ile67fs; shifts the reading frame from isoleucine 67.
Molecular consequence: frameshift variant. On other transcripts: non-coding transcript variant (5).
Genome position (GRCh38, 1-based): chr22:31,764,979, T duplicated. VCF-style (leftmost placement, unchanged base first): chr22-31764978-C-CT. GRCh37 (hg19) VCF-style: chr22-32160964-C-CT.
Other names: c.198dup, p.Ile67fs (NM_001007188.4, NM_001136029.4, NM_001242897.2 and 9 more transcripts); short protein forms I67fs.
Identifiers: ClinVar variation 916700 (VCV000916700.7), dbSNP rs2082694133, ClinGen allele CA1139667067.

ClinVar aggregate classification (germline): Pathogenic. Review status: criteria provided, multiple submitters, no conflicts (2 of 4 stars). 2 submissions from 2 submitters: Pathogenic (2). Last evaluated 2021-09-26.

Conditions:
Familial focal epilepsy with variable foci (FPEVF). Identifiers: Orphanet 98820, MedGen C1858477, MONDO:0020310.
Epilepsy, familial focal, with variable foci 1 (FFEVF1). Also called: DEPDC5-Related Epilepsy. Identifiers: MedGen C4551983, MONDO:0024556, OMIM 604364.

Submissions (2):

Labcorp Genetics (formerly Invitae), Labcorp
Classification: Pathogenic for Familial focal epilepsy with variable foci. Last evaluated: 2021-09-26. Review status: criteria provided, single submitter. Criteria: Invitae Variant Classification Sherloc (09022015). Collection method: clinical testing. Allele origin: germline.
Comment: For these reasons, this variant has been classified as Pathogenic. ClinVar contains an entry for this variant (Variation ID: 916700). This variant has not been reported in the literature in individuals affected with DEPDC5-related conditions. This variant is not present in population databases (ExAC no frequency). This sequence change creates a premature translational stop signal (p.Ile67Tyrfs*22) in the DEPDC5 gene. It is expected to result in an absent or disrupted protein product. Loss-of-function variants in DEPDC5 are known to be pathogenic (PMID: 23542697, 23542701).

Cytogénomique, Hospices Civils de Lyon
Classification: Pathogenic for Epilepsy, familial focal, with variable foci 1. Review status: criteria provided, single submitter. Criteria: ACMG Guidelines, 2015. Collection method: clinical testing. Allele origin: unknown. Affected: yes.

Literature cited by the submitters: PubMed 23542697 (cited by Labcorp Genetics (formerly Invitae), Labcorp); PubMed 23542701 (cited by Labcorp Genetics (formerly Invitae), Labcorp).